The following is an entry in ClinVar:

NM_001352754.2(ARMC9):c.1645C>T (p.Arg549Cys)

Gene: ARMC9 (armadillo repeat containing 9; plus strand). Cytogenetic location: 2q37.1.
Variant type: single nucleotide variant.
Coding change: c.1645C>T on transcript NM_001352754.2 (MANE Select); coding-DNA position 1645, C replaced by T.
Protein change: p.Arg549Cys; replaces arginine 549 with cysteine.
Molecular consequence: missense variant. On other transcripts: non-coding transcript variant (1).
Genome position (GRCh38, 1-based): chr2:231,291,371, C>T. VCF-style: chr2-231291371-C-T. GRCh37 (hg19) VCF-style: chr2-232156084-C-T.
Other names: c.1645C>T, p.Arg549Cys (NM_001271466.4, NM_001291656.2, NM_001352755.2 and 3 more transcripts); c.1546C>T, p.Arg516Cys (NM_001352757.2, NM_001352758.2); c.1645C>T (NM_025139.5); short protein forms R516C, R549C.
Identifiers: ClinVar variation 1168743 (VCV001168743.12), dbSNP rs148296188, ClinGen allele CA2160432.
Genomic context (GRCh38, chr2:231,291,371, plus strand): 5'-AGACACTGAAATGTTAACTATTACTTTCGCCAATACTTCTAGGGAATGGAAGACATCCTA[C>T]GCTGCTTCATCAAAGAAGGCAATGCTGAAATGATCCGCCAGATAGAATTCATCATCAAGC-3'
Protein context (NP_001339683.2, residues 539-559): ARAMGMEDIL[Arg549Cys]CFIKEGNAEM

ClinVar aggregate classification (germline): Benign. Review status: criteria provided, multiple submitters, no conflicts (2 of 4 stars). 3 submissions from 3 submitters: Benign (2). 1 of the submissions does not count toward it. Last evaluated 2026-02-02.

Conditions:
ARMC9-related disorder. Also called: ARMC9-related condition.

Allele frequency attached by ClinVar (database versions not stated): 1000 Genomes Project 30x 0.00281; 1000 Genomes Project 0.00300; TOPMed 0.01008; ExAC 0.01037; gnomAD exomes 0.01042; gnomAD 0.01089 and 0.01124; ESP Exome Variant Server 0.01461.
gnomAD v4.1: 27,153 of 1,613,390 alleles (1.7%); highest among the groups gnomAD compares: Non-Finnish European, 2.1%; 301 homozygotes.

Submissions (3):

Labcorp Genetics (formerly Invitae), Labcorp
Classification: Benign. Last evaluated: 2026-02-02. Review status: criteria provided, single submitter. Criteria: Invitae Variant Classification Sherloc (09022015). Collection method: clinical testing. Allele origin: germline.

Breakthrough Genomics
Classification: Benign. Review status: criteria provided, single submitter. Criteria: ACMG Guidelines, 2015. Collection method: not provided. Allele origin: germline. Inheritance: Autosomal recessive inheritance. Affected: yes.

PreventionGenetics, part of Exact Sciences
Classification: Benign for ARMC9-related condition. Last evaluated: 2019-06-26. Review status: no assertion criteria provided. Collection method: clinical testing. Allele origin: germline. Not counted in ClinVar's aggregate classification.
Comment: This variant is classified as benign based on ACMG/AMP sequence variant interpretation guidelines (Richards et al. 2015 PMID: 25741868, with internal and published modifications).